The following is an entry in ClinVar:

NM_005896.4(IDH1):c.926A>C (p.His309Pro)

Gene: IDH1 (isocitrate dehydrogenase (NADP(+)) 1; minus strand). Cytogenetic location: 2q34.
Variant type: single nucleotide variant.
Coding change: c.926A>C on transcript NM_005896.4 (MANE Select); coding-DNA position 926, A replaced by C.
Protein change: p.His309Pro; replaces histidine 309 with proline.
Molecular consequence: missense variant.
Genome position (GRCh38, 1-based): chr2:208,239,928, T>G on the plus strand (A>C on the coding strand, the complement: IDH1 is on the minus strand). VCF-style: chr2-208239928-T-G. GRCh37 (hg19) VCF-style: chr2-209104652-T-G.
Other names: c.926A>C, p.His309Pro (NM_001282386.1, NM_001282387.1); short protein forms H309P.
Identifiers: ClinVar variation 3225153 (VCV003225153.1), dbSNP rs1161502711, ClinGen allele CA350095218.

ClinVar aggregate classification (germline): Uncertain significance (1 of 4 stars; one submission).

Submission:

Ambry Genetics
Classification: Uncertain significance. Last evaluated: 2024-02-11. Review status: criteria provided, single submitter. Criteria: Ambry Variant Classification Scheme 2023. Collection method: clinical testing. Allele origin: germline.
Comment: The p.H309P variant (also known as c.926A>C), located in coding exon 6 of the IDH1 gene, results from an A to C substitution at nucleotide position 926. The histidine at codon 309 is replaced by proline, an amino acid with similar properties. This amino acid position is conserved. In addition, this alteration is predicted to be deleterious by in silico analysis. Based on the available evidence, the clinical significance of this alteration remains unclear.